The following is an entry in ClinVar:

ClinVar aggregate classification (germline): Pathogenic/Likely pathogenic. Review status: criteria provided, multiple submitters, no conflicts (2 of 4 stars). 9 submissions from 9 submitters: Pathogenic (3); Likely pathogenic (6). Last evaluated 2025-11-03.

Conditions:
SPTLC2-related disorder. Also called: SPTLC2-related condition.
Hereditary neuropathy or pain disorder.
Inborn genetic diseases. Identifiers: MedGen C0950123, MeSH D030342.
Neuropathy, hereditary sensory and autonomic, type 1C. Also called: HSAN IC; HSN IC. Identifiers: Orphanet 36386, MedGen C3150896, MONDO:0013337, OMIM 613640.

Allele frequency attached by ClinVar (database versions not stated): TOPMed below 0.00001; ExAC 0.00001; gnomAD exomes 0.00001.
gnomAD v4.1: 8 of 1,614,060 alleles (0.0005%); highest among the groups gnomAD compares: Admixed American, 0.0017%; no homozygotes.

Submissions (9):

Variantyx, Inc.
Classification: Likely pathogenic for Neuropathy, hereditary sensory and autonomic, type 1C. Last evaluated: 2025-11-03. Review status: criteria provided, single submitter. Criteria: Variantyx Assertion Criteria 2022. Collection method: clinical testing. Allele origin: germline. Inheritance: Autosomal dominant inheritance. Affected: yes.
Comment: This is a nonsynonymous variant in the SPTLC2 gene (OMIM: 605713). Pathogenic variants in this gene have been associated with autosomal dominant hereditary sensory and autonomic neuropathy type IC. This variant has been reported in several unrelated affected individuals (PMID: 26573920) (PS4) and it has been observed to segregate with disease in at least four individuals from two families (PMID: 26573920) (PP1). Computational algorithms produce conflicting evidence regarding the predicted functional impact of this variant (REVEL score: 0.475), but functional studies have shown that this variant alters SPTLC2 protein function (PMID: 26573920) (PS3). This variant has a 0.0017% maximum allele frequency in non-founder control populations (PM2). . Based on the current evidence, this variant is classified as likely pathogenic for autosomal dominant hereditary sensory and autonomic neuropathy type IC.

NHS Central & South Genomic Laboratory Hub
Classification: Likely pathogenic for Hereditary neuropathy or pain disorder. Last evaluated: 2025-10-21. Review status: criteria provided, single submitter. Criteria: ACMG Guidelines, 2015. Collection method: clinical testing. Allele origin: germline. Affected: yes.

Labcorp Genetics (formerly Invitae), Labcorp
Classification: Pathogenic for Neuropathy, hereditary sensory and autonomic, type 1C. Last evaluated: 2025-09-26. Review status: criteria provided, single submitter. Criteria: Invitae Variant Classification Sherloc (09022015). Collection method: clinical testing. Allele origin: germline.
Comment: This sequence change replaces arginine, which is basic and polar, with tryptophan, which is neutral and slightly polar, at codon 183 of the SPTLC2 protein (p.Arg183Trp). This variant is present in population databases (rs775437084, gnomAD 0.004%). This missense change has been observed in individual(s) with autosomal dominant hereditary sensory and autonomic neuropathy type 1C (PMID: 26573920). It has also been observed to segregate with disease in related individuals. ClinVar contains an entry for this variant (Variation ID: 487224). Invitae Evidence Modeling of protein sequence and biophysical properties (such as structural, functional, and spatial information, amino acid conservation, physicochemical variation, residue mobility, and thermodynamic stability) has been performed for this missense variant. However, the output from this modeling did not meet the statistical confidence thresholds required to predict the impact of this variant on SPTLC2 protein function. Experimental studies have shown that this missense change affects SPTLC2 function (PMID: 26573920). For these reasons, this variant has been classified as Pathogenic.

Ambry Genetics
Classification: Likely pathogenic for Inborn genetic diseases. Last evaluated: 2025-05-27. Review status: criteria provided, single submitter. Criteria: Ambry Variant Classification Scheme 2023. Collection method: clinical testing. Allele origin: germline.
Comment: The c.547C>T (p.R183W) alteration is located in exon 4 (coding exon 4) of the SPTLC2 gene. This alteration results from a C to T substitution at nucleotide position 547, causing the arginine (R) at amino acid position 183 to be replaced by a tryptophan (W). Based on data from gnomAD, the T allele has an overall frequency of 0.001% (3/251484) total alleles studied. The highest observed frequency was 0.016% (1/6140) of Other alleles. This variant was identified in one or more individuals with features consistent with SPTLC2-related hereditary sensory and autonomic neuropathy (Suriyanarayanan, 2016; Bacquet, 2018; Lee, 2019) and segregated with disease in at least one family (Suriyanarayanan, 2016). This amino acid position is not well conserved in available vertebrate species. Functional analysis demonstrated that cells transfected with the p.R183W alteration had significantly increased 1-deoxySLs formation compared to wildtype (Suriyanarayanan, 2016). The in silico prediction for this alteration is inconclusive. Based on the available evidence, this alteration is classified as likely pathogenic.

CeGaT Center for Human Genetics Tuebingen
Classification: Likely pathogenic. Last evaluated: 2024-01-01. Review status: criteria provided, single submitter. Criteria: CeGaT Center For Human Genetics Tuebingen Variant Classification Criteria Version 2. Collection method: clinical testing. Allele origin: germline. Affected: yes. Observed: 2 variant alleles.
Comment: SPTLC2: PP1:Strong, PM1, PS4:Moderate, PM2:Supporting, PS3:Supporting, BP4

Blueprint Genetics
Classification: Likely pathogenic for SPTLC2-related disorders. Last evaluated: 2023-04-14. Review status: criteria provided, single submitter. Criteria: ACMG Guidelines, 2015. Collection method: clinical testing. Allele origin: germline. Affected: yes. Observed: 3 variant alleles.

Athena Diagnostics
Classification: Pathogenic. Last evaluated: 2022-12-29. Review status: criteria provided, single submitter. Criteria: Athena Diagnostics Criteria. Collection method: clinical testing. Allele origin: unknown.
Comment: The frequency of this variant in the general population is consistent with pathogenicity. This variant associates with disease in multiple families. Assessment of experimental evidence suggests this variant results in abnormal protein function. (PMID: 26573920)

Neuromuscular disorders lab, University of Helsinki
Classification: Pathogenic for Hereditary sensory and autonomic neuropathy type IC. Last evaluated: 2017-11-22. Review status: criteria provided, single submitter. Criteria: Suriyanarayanan S et al. (Neuromolecular Med 2016). Collection method: research. Allele origin: germline. Affected: yes.
Comment: The variant was found to segregate with the disease phenotype in several individuals from two unrelated families. Pathogenicity was confirmed by documenting elevated deoxysphingolipids in serum of affected individuals.

Juno Genomics, Hangzhou Juno Genomics, Inc
Classification: Likely pathogenic for Neuropathy, hereditary sensory and autonomic, type 1C. Review status: criteria provided, single submitter. Criteria: ACMG Guidelines, 2015. Collection method: clinical testing. Allele origin: germline.
Comment: Absent from controls (or at extremely low frequency if recessive) in Genome Aggregation Database.;The prevalence of the variant in affected individuals is significantly increased compared to the prevalence in controls.;Co-segregation with disease in multiple affected family members.;Well-established in vitro or in vivo functional studies supportive of a damaging effect on the gene or gene product.

Literature cited by the submitters: PubMed 26573920 (cited by 4 submitters); PubMed 30373780 (cited by Ambry Genetics and Athena Diagnostics); PubMed 31701603 (cited by Ambry Genetics); PubMed 29042446 (cited by Athena Diagnostics and Neuromuscular disorders lab, University of Helsinki).

NM_004863.4(SPTLC2):c.547C>T (p.Arg183Trp)

Gene: SPTLC2 (serine palmitoyltransferase long chain base subunit 2; minus strand). Cytogenetic location: 14q24.3.
Variant type: single nucleotide variant.
Coding change: c.547C>T on transcript NM_004863.4 (MANE Select); coding-DNA position 547, C replaced by T.
Protein change: p.Arg183Trp; replaces arginine 183 with tryptophan.
Molecular consequence: missense variant.
Genome position (GRCh38, 1-based): chr14:77,576,851, G>A on the plus strand (C>T on the coding strand, the complement: SPTLC2 is on the minus strand). VCF-style: chr14-77576851-G-A. GRCh37 (hg19) VCF-style: chr14-78043194-G-A.
Other names: c.547C>T (NM_004863.2); short protein forms R183W.
Identifiers: ClinVar variation 487224 (VCV000487224.42), dbSNP rs775437084, ClinGen allele CA7289426.